The following is an entry in ClinVar:

NM_018139.3(DNAAF2):c.754G>T (p.Glu252Ter)

Gene: DNAAF2 (dynein axonemal assembly factor 2; minus strand). Cytogenetic location: 14q21.3.
Variant type: single nucleotide variant.
Coding change: c.754G>T on transcript NM_018139.3 (MANE Select); coding-DNA position 754, G replaced by T.
Protein change: p.Glu252Ter; replaces glutamic acid 252 with a stop codon.
Molecular consequence: nonsense.
Genome position (GRCh38, 1-based): chr14:49,634,396, C>A on the plus strand (G>T on the coding strand, the complement: DNAAF2 is on the minus strand). VCF-style: chr14-49634396-C-A. GRCh37 (hg19) VCF-style: chr14-50101114-C-A.
Other names: c.754G>T, p.Glu252Ter (NM_001083908.2); short protein forms E252*.
Identifiers: ClinVar variation 2821039 (VCV002821039.3), dbSNP rs758230960, ClinGen allele CA389630596.
Genomic context (GRCh38, chr14:49,634,396, plus strand): 5'-TGGAGCAGCGGTAATCCTGGAGGTCCACGTGGTGGCGCTGCACCACGCTGTAGCGAGGCT[C>A]GGTGGGGGCGGGCTGCAAGGCCGCTTCCGGAGGGGAGGGCGCCCGGGGCCCGGGGGCTGC-3'

ClinVar aggregate classification (germline): Pathogenic (1 of 4 stars; one submission).

Conditions:
Primary ciliary dyskinesia. Also called: Ciliary dyskinesia. Identifiers: Orphanet 244, MedGen C0008780, MONDO:0016575, HP:0012265.

Submission:

Labcorp Genetics (formerly Invitae), Labcorp
Classification: Pathogenic for Primary ciliary dyskinesia. Last evaluated: 2022-12-15. Review status: criteria provided, single submitter. Criteria: Invitae Variant Classification Sherloc (09022015). Collection method: clinical testing. Allele origin: germline.
Comment: This sequence change creates a premature translational stop signal (p.Glu252*) in the DNAAF2 gene. It is expected to result in an absent or disrupted protein product. Loss-of-function variants in DNAAF2 are known to be pathogenic (PMID: 19052621, 24498942). This variant is not present in population databases (gnomAD no frequency). For these reasons, this variant has been classified as Pathogenic. This variant has not been reported in the literature in individuals affected with DNAAF2-related conditions.

Literature cited by the submitters: PubMed 19052621; PubMed 24498942.